The following is an entry in ClinVar:

ClinVar aggregate classification (germline): Uncertain significance. Review status: criteria provided, multiple submitters, no conflicts (2 of 4 stars). 3 submissions from 3 submitters: Uncertain significance (3). Last evaluated 2026-09-08.

Conditions:
SEMA3E-related disorder. Also called: SEMA3E-related condition.
Hypogonadotropic hypogonadism 7 with or without anosmia (HH7). Also called: GNRHR-Related GnRH Deficiency; HYPOGONADOTROPIC HYPOGONADISM 7 WITHOUT ANOSMIA. Identifiers: Orphanet 432, MedGen C0342384, MONDO:0007794, OMIM 146110.
CHARGE syndrome (CHARGE). Also called: Hittner Hirsch Kreh syndrome; Coloboma, heart anomaly, choanal atresia, retardation, genital and ear anomalies; CHARGE association; Hall-Hittner syndrome; CHARGE ASSOCIATION--COLOBOMA, HEART ANOMALY, CHOANAL ATRESIA, RETARDATION, GENITAL AND EAR ANOMALIES. Identifiers: Orphanet 138, MedGen C0265354, MONDO:0008965.

Allele frequency attached by ClinVar (database versions not stated): gnomAD exomes 0.00001 and 0.00013; ExAC 0.00002; TOPMed 0.00003; gnomAD 0.00005 and 0.00006; ESP Exome Variant Server 0.00015.
gnomAD v4.1: 193 of 1,612,974 alleles (0.012%); highest among the groups gnomAD compares: Non-Finnish European, 0.016%; no homozygotes.

Submissions (3):

PreventionGenetics, part of Exact Sciences
Classification: Uncertain significance for SEMA3E-related condition. Last evaluated: 2026-09-08. Review status: criteria provided, single submitter. Criteria: ACMG Guidelines, 2015. Collection method: clinical testing. Allele origin: germline.
Comment: The SEMA3E c.1076A>G variant is predicted to result in the amino acid substitution p.His359Arg. To our knowledge, this variant has not been reported in the literature. This variant is reported in 0.0031% of alleles in individuals of European (Non-Finnish) descent in gnomAD. At this time, the clinical significance of this variant is uncertain due to the absence of conclusive functional and genetic evidence.

Labcorp Genetics (formerly Invitae), Labcorp
Classification: Uncertain significance for CHARGE syndrome. Last evaluated: 2026-01-27. Review status: criteria provided, single submitter. Criteria: Invitae Variant Classification Sherloc (09022015). Collection method: clinical testing. Allele origin: germline.
Comment: This sequence change replaces histidine, which is basic and polar, with arginine, which is basic and polar, at codon 359 of the SEMA3E protein (p.His359Arg). This variant is present in population databases (rs373965521, gnomAD 0.003%). This variant has not been reported in the literature in individuals affected with SEMA3E-related conditions. ClinVar contains an entry for this variant (Variation ID: 968113). Invitae Evidence Modeling of protein sequence and biophysical properties (such as structural, functional, and spatial information, amino acid conservation, physicochemical variation, residue mobility, and thermodynamic stability) indicates that this missense variant is expected to disrupt SEMA3E protein function with a positive predictive value of 80%. In summary, the available evidence is currently insufficient to determine the role of this variant in disease. Therefore, it has been classified as a Variant of Uncertain Significance.

Fulgent Genetics
Classification: Uncertain significance for Hypogonadotropic hypogonadism 7 with or without anosmia; CHD7-related CHARGE syndrome. Last evaluated: 2021-10-15. Review status: criteria provided, single submitter. Criteria: ACMG Guidelines, 2015. Collection method: clinical testing. Allele origin: unknown.

NM_012431.3(SEMA3E):c.1076A>G (p.His359Arg)

Gene: SEMA3E (semaphorin 3E; minus strand). Cytogenetic location: 7q21.11.
Variant type: single nucleotide variant.
Coding change: c.1076A>G on transcript NM_012431.3 (MANE Select); coding-DNA position 1076, A replaced by G.
Protein change: p.His359Arg; replaces histidine 359 with arginine.
Molecular consequence: missense variant.
Genome position (GRCh38, 1-based): chr7:83,402,699, T>C on the plus strand (A>G on the coding strand, the complement: SEMA3E is on the minus strand). VCF-style: chr7-83402699-T-C. GRCh37 (hg19) VCF-style: chr7-83032015-T-C.
Other names: c.896A>G, p.His299Arg (NM_001178129.2); short protein forms H359R, H299R.
Identifiers: ClinVar variation 968113 (VCV000968113.11), dbSNP rs373965521, ClinGen allele CA4322115.